The following is an entry in ClinVar:

ClinVar aggregate classification (germline): Uncertain significance (1 of 4 stars; one submission).

Conditions:
Dilated cardiomyopathy 1HH (CMD1HH). Identifiers: Orphanet 154, MedGen C3151293, MONDO:0013479, OMIM 613881.
Myofibrillar myopathy 6. Identifiers: Orphanet 199340, MedGen C2751831, MONDO:0013061, OMIM 612954.

Submission:

Labcorp Genetics (formerly Invitae), Labcorp
Classification: Uncertain significance for Dilated cardiomyopathy 1HH; Myofibrillar myopathy 6. Last evaluated: 2025-03-31. Review status: criteria provided, single submitter. Criteria: Invitae Variant Classification Sherloc (09022015). Collection method: clinical testing. Allele origin: germline.
Comment: This sequence change replaces glycine, which is neutral and non-polar, with valine, which is neutral and non-polar, at codon 35 of the BAG3 protein (p.Gly35Val). This variant is not present in population databases (gnomAD no frequency). This variant has not been reported in the literature in individuals affected with BAG3-related conditions. An algorithm developed to predict the effect of missense changes on protein structure and function (PolyPhen-2) suggests that this variant is likely to be disruptive. In summary, the available evidence is currently insufficient to determine the role of this variant in disease. Therefore, it has been classified as a Variant of Uncertain Significance.

NM_004281.4(BAG3):c.104G>T (p.Gly35Val)

Gene: BAG3 (BAG cochaperone 3; plus strand). Cytogenetic location: 10q26.11.
Variant type: single nucleotide variant.
Coding change: c.104G>T on transcript NM_004281.4 (MANE Select); coding-DNA position 104, G replaced by T.
Protein change: p.Gly35Val; replaces glycine 35 with valine.
Molecular consequence: missense variant.
Genome position (GRCh38, 1-based): chr10:119,651,779, G>T. VCF-style: chr10-119651779-G-T. GRCh37 (hg19) VCF-style: chr10-121411291-G-T.
Other names: short protein forms G35V.
Identifiers: ClinVar variation 3760480 (VCV003760480.2).